The following is an entry in ClinVar:

NM_001292063.2(OTOG):c.8723G>C (p.Cys2908Ser)

Gene: OTOG (otogelin; plus strand). Cytogenetic location: 11p15.1.
Variant type: single nucleotide variant.
Coding change: c.8723G>C on transcript NM_001292063.2 (MANE Select); coding-DNA position 8723, G replaced by C.
Protein change: p.Cys2908Ser; replaces cysteine 2908 with serine.
Molecular consequence: missense variant.
Genome position (GRCh38, 1-based): chr11:17,645,925, G>C. VCF-style: chr11-17645925-G-C. GRCh37 (hg19) VCF-style: chr11-17667472-G-C.
Other names: c.8759G>C (NM_001277269.1); c.8759G>C, p.Cys2920Ser (NM_001277269.2); short protein forms C2908S, C2920S.
Identifiers: ClinVar variation 2160785 (VCV002160785.4), dbSNP rs150663245, ClinGen allele CA379793226.

ClinVar aggregate classification (germline): Uncertain significance. Review status: criteria provided, multiple submitters, no conflicts (2 of 4 stars). 2 submissions from 2 submitters: Uncertain significance (2). Last evaluated 2026-10-15.

gnomAD v4.1: 17 of 1,549,508 alleles (0.0011%); highest among the groups gnomAD compares: Admixed American, 0.02%; no homozygotes.

Submissions (2):

GeneDx
Classification: Uncertain significance. Last evaluated: 2026-10-15. Review status: criteria provided, single submitter. Criteria: GeneDx Variant Classification Process June 2021. Collection method: clinical testing. Allele origin: germline.
Comment: In silico analysis supports that this missense variant has a deleterious effect on protein structure/function; Has not been previously published as pathogenic or benign to our knowledge

Labcorp Genetics (formerly Invitae), Labcorp
Classification: Uncertain significance. Last evaluated: 2022-08-05. Review status: criteria provided, single submitter. Criteria: Invitae Variant Classification Sherloc (09022015). Collection method: clinical testing. Allele origin: germline.
Comment: This sequence change replaces cysteine, which is neutral and slightly polar, with serine, which is neutral and polar, at codon 2920 of the OTOG protein (p.Cys2920Ser). This variant is present in population databases (no rsID available, gnomAD 0.008%). This variant has not been reported in the literature in individuals affected with OTOG-related conditions. Algorithms developed to predict the effect of missense changes on protein structure and function are either unavailable or do not agree on the potential impact of this missense change (SIFT: "Deleterious"; PolyPhen-2: "Probably Damaging"; Align-GVGD: "Class C0"). In summary, the available evidence is currently insufficient to determine the role of this variant in disease. Therefore, it has been classified as a Variant of Uncertain Significance.